The following is an entry in ClinVar:

NM_004304.5(ALK):c.1670G>A (p.Arg557His)

Gene: ALK (ALK receptor tyrosine kinase; minus strand). Cytogenetic location: 2p23.2.
Variant type: single nucleotide variant.
Coding change: c.1670G>A on transcript NM_004304.5 (MANE Select); coding-DNA position 1670, G replaced by A.
Protein change: p.Arg557His; replaces arginine 557 with histidine.
Molecular consequence: missense variant.
Genome position (GRCh38, 1-based): chr2:29,297,035, C>T on the plus strand (G>A on the coding strand, the complement: ALK is on the minus strand). VCF-style: chr2-29297035-C-T. GRCh37 (hg19) VCF-style: chr2-29519901-C-T.
Other names: short protein forms R557H.
Identifiers: ClinVar variation 470766 (VCV000470766.18), dbSNP rs200468507, ClinGen allele CA1594560.

ClinVar aggregate classification (germline): Conflicting classifications of pathogenicity. Review status: criteria provided, conflicting classifications (1 of 4 stars). 6 submissions from 6 submitters: Uncertain significance (4); Likely benign (2). Last evaluated 2025-12-16.

Conditions:
Neuroblastoma, susceptibility to, 3. Also called: ALK-Related Neuroblastic Tumor Susceptibility. Identifiers: Orphanet 635, MedGen C2751681, MONDO:0013083, OMIM 613014.
Hereditary cancer-predisposing syndrome. Also called: Hereditary neoplastic syndrome; Neoplastic Syndromes, Hereditary; Hereditary Cancer Syndrome; Tumor predisposition. Identifiers: Orphanet 140162, MedGen C0027672, MeSH D009386, MONDO:0015356.

Allele frequency attached by ClinVar (database versions not stated): ExAC 0.00003; TOPMed 0.00003; gnomAD 0.00004 and 0.00005; gnomAD exomes 0.00004.
gnomAD v4.1: 58 of 1,614,036 alleles (0.0036%); highest among the groups gnomAD compares: South Asian, 0.0077%; no homozygotes.

Submissions (6):

Labcorp Genetics (formerly Invitae), Labcorp
Classification: Uncertain significance for Neuroblastoma, susceptibility to, 3. Last evaluated: 2025-12-16. Review status: criteria provided, single submitter. Criteria: Invitae Variant Classification Sherloc (09022015). Collection method: clinical testing. Allele origin: germline.
Comment: This sequence change replaces arginine, which is basic and polar, with histidine, which is basic and polar, at codon 557 of the ALK protein (p.Arg557His). This variant is present in population databases (rs200468507, gnomAD 0.007%). This variant has not been reported in the literature in individuals affected with ALK-related conditions. ClinVar contains an entry for this variant (Variation ID: 470766). An algorithm developed to predict the effect of missense changes on protein structure and function outputs the following: PolyPhen-2: "Benign". The histidine amino acid residue is found in multiple mammalian species, which suggests that this missense change does not adversely affect protein function. In summary, the available evidence is currently insufficient to determine the role of this variant in disease. Therefore, it has been classified as a Variant of Uncertain Significance.

Ambry Genetics
Classification: Likely benign for Hereditary cancer-predisposing syndrome. Last evaluated: 2024-12-19. Review status: criteria provided, single submitter. Criteria: Ambry Variant Classification Scheme 2023. Collection method: clinical testing. Allele origin: germline.

GeneDx
Classification: Uncertain significance. Last evaluated: 2024-05-16. Review status: criteria provided, single submitter. Criteria: GeneDx Variant Classification Process June 2021. Collection method: clinical testing. Allele origin: germline.
Comment: In silico analysis indicates that this missense variant does not alter protein structure/function; Has not been previously published as pathogenic or benign to our knowledge; This variant is associated with the following publications: (PMID: 25054154, 25668207)

Baylor Genetics
Classification: Uncertain significance for Neuroblastoma, susceptibility to, 3. Last evaluated: 2023-09-18. Review status: criteria provided, single submitter. Criteria: ACMG Guidelines, 2015. Collection method: clinical testing. Allele origin: unknown.

Blueprint Genetics
Classification: Likely benign. Last evaluated: 2023-06-07. Review status: criteria provided, single submitter. Criteria: ACMG Guidelines, 2015. Collection method: clinical testing. Allele origin: germline.

Illumina Laboratory Services, Illumina
Classification: Uncertain significance for Neuroblastoma, susceptibility to, 3. Last evaluated: 2017-04-27. Review status: criteria provided, single submitter. Criteria: ICSL Variant Classification Criteria 13 December 2019. Collection method: clinical testing. Allele origin: germline.
Comment: This variant was observed as part of a predisposition screen in an ostensibly healthy population. A literature search was performed for the gene, cDNA change, and amino acid change (where applicable). Publications were found based on this search. However, the evidence from the literature, in combination with allele frequency data from public databases where available, was not sufficient to rule this variant in or out of causing disease. Therefore, this variant is classified as a variant of unknown significance.

Literature cited by the submitters: PubMed 18724359 (cited by Illumina Laboratory Services, Illumina).